The following is an entry in ClinVar:

ClinVar aggregate classification (germline): Uncertain significance (1 of 4 stars; one submission).

Submission:

Labcorp Genetics (formerly Invitae), Labcorp
Classification: Uncertain significance. Last evaluated: 2024-04-25. Review status: criteria provided, single submitter. Criteria: Invitae Variant Classification Sherloc (09022015). Collection method: clinical testing. Allele origin: germline.
Comment: This sequence change replaces alanine, which is neutral and non-polar, with glycine, which is neutral and non-polar, at codon 547 of the PRPF6 protein (p.Ala547Gly). This variant is not present in population databases (gnomAD no frequency). This variant has not been reported in the literature in individuals affected with PRPF6-related conditions. Advanced modeling of protein sequence and biophysical properties (such as structural, functional, and spatial information, amino acid conservation, physicochemical variation, residue mobility, and thermodynamic stability) performed at Invitae indicates that this missense variant is expected to disrupt PRPF6 protein function with a positive predictive value of 80%. In summary, the available evidence is currently insufficient to determine the role of this variant in disease. Therefore, it has been classified as a Variant of Uncertain Significance.

NM_012469.4(PRPF6):c.1640C>G (p.Ala547Gly)

Genes: PRPF6 (pre-mRNA processing factor 6; plus strand), LOC126863090 (P300/CBP strongly-dependent group 1 enhancer GRCh37_chr20:62648052-62649251; plus strand). Cytogenetic location: 20q13.33.
Variant type: single nucleotide variant.
Coding change: c.1640C>G on transcript NM_012469.4 (MANE Select); coding-DNA position 1640, C replaced by G.
Protein change: p.Ala547Gly; replaces alanine 547 with glycine.
Molecular consequence: missense variant.
Genome position (GRCh38, 1-based): chr20:64,016,838, C>G. VCF-style: chr20-64016838-C-G. GRCh37 (hg19) VCF-style: chr20-62648191-C-G.
Other names: short protein forms A547G.
Identifiers: ClinVar variation 3650025 (VCV003650025.2).